The following is an entry in ClinVar:

ClinVar aggregate classification (germline): Likely pathogenic. Review status: criteria provided, multiple submitters, no conflicts (2 of 4 stars). 2 submissions from 2 submitters: Likely pathogenic (2). Last evaluated 2025-10-27.

Conditions:
Fanconi anemia (FA). Also called: Fanconi's anemia. Identifiers: Orphanet 84, MedGen C0015625, MeSH D005199, MONDO:0019391.

gnomAD v4.1: 1 of 1,613,600 alleles (0.000062%); no homozygotes.

Submissions (2):

Labcorp Genetics (formerly Invitae), Labcorp
Classification: Likely pathogenic for Fanconi anemia. Last evaluated: 2025-10-27. Review status: criteria provided, single submitter. Criteria: Invitae Variant Classification Sherloc (09022015). Collection method: clinical testing. Allele origin: germline.
Comment: This sequence change affects a donor splice site in intron 15 of the FANCI gene. It is expected to disrupt RNA splicing. Variants that disrupt the donor or acceptor splice site typically lead to a loss of protein function (PMID: 16199547), and loss-of-function variants in FANCI are known to be pathogenic (PMID: 17452773, 17460694). This variant is not present in population databases (gnomAD no frequency). This variant has not been reported in the literature in individuals affected with FANCI-related conditions. ClinVar contains an entry for this variant (Variation ID: 1511568). Algorithms developed to predict the effect of sequence changes on RNA splicing suggest that this variant may disrupt the consensus splice site. In summary, the currently available evidence indicates that the variant is pathogenic, but additional data are needed to prove that conclusively. Therefore, this variant has been classified as Likely Pathogenic.

Women's Health and Genetics/Laboratory Corporation of America, LabCorp
Classification: Likely pathogenic for Fanconi anemia. Last evaluated: 2023-04-12. Review status: criteria provided, single submitter. Criteria: LabCorp Variant Classification Summary - May 2015. Collection method: clinical testing. Allele origin: germline.
Comment: Variant summary: FANCI c.1512+1G>A is located in a canonical splice-site and is predicted to affect mRNA splicing resulting in a significantly altered protein due to either exon skipping, shortening, or inclusion of intronic material. Several computational tools predict a significant impact on normal splicing: Four predict the variant abolishes a 5' splicing donor site. However, these predictions have yet to be confirmed by functional studies. The variant was absent in 251366 control chromosomes (gnomAD). To our knowledge, no occurrence of c.1512+1G>A in individuals affected with Fanconi Anemia and no experimental evidence demonstrating its impact on protein function have been reported. One clinical diagnostic laboratory has submitted clinical-significance assessments for this variant to ClinVar after 2014, and classified the variant as pathogenic/likely pathogenic. Based on the evidence outlined above, the variant was classified as likely pathogenic.

Literature cited by the submitters: PubMed 16199547 (cited by Labcorp Genetics (formerly Invitae), Labcorp); PubMed 17452773 (cited by Labcorp Genetics (formerly Invitae), Labcorp); PubMed 17460694 (cited by Labcorp Genetics (formerly Invitae), Labcorp).

NM_001113378.2(FANCI):c.1512+1G>A

Gene: FANCI (FA complementation group I; plus strand). Cytogenetic location: 15q26.1.
Variant type: single nucleotide variant.
Coding change: c.1512+1G>A on transcript NM_001113378.2 (MANE Select); the canonical splice donor site of the intron after coding-DNA position 1512, G replaced by A.
Molecular consequence: splice donor variant.
Genome position (GRCh38, 1-based): chr15:89,281,301, G>A. VCF-style: chr15-89281301-G-A. GRCh37 (hg19) VCF-style: chr15-89824532-G-A.
Other names: c.1512+1G>A (NM_018193.3, NM_001376911.1); c.1233+1G>A (NM_001376910.1).
Identifiers: ClinVar variation 1511568 (VCV001511568.6), dbSNP rs2151551135, ClinGen allele CA393744467.